The following is an entry in ClinVar:

NM_001042492.3(NF1):c.908del (p.Leu303fs)

Gene: NF1 (neurofibromin 1; plus strand). Cytogenetic location: 17q11.2.
Variant type: Deletion.
Coding change: c.908del on transcript NM_001042492.3 (MANE Select); coding-DNA position 908, one base deleted (T; older notation c.908delT).
Protein change: p.Leu303fs; shifts the reading frame from leucine 303.
Molecular consequence: frameshift variant.
Genome position (GRCh38, 1-based): chr17:31,200,441, T deleted. VCF-style (leftmost placement, unchanged base first): chr17-31200440-CT-C. GRCh37 (hg19) VCF-style: chr17-29527458-CT-C.
Other names: c.908delT (NM_000267.3); c.908delT, p.Leu303Hisfs (NM_000267.4); c.908del, p.Leu303fs (NM_001128147.3); short protein forms L303fs.
Identifiers: ClinVar variation 457876 (VCV000457876.5), dbSNP rs1555610848, ClinGen allele CA658656562.

ClinVar aggregate classification (germline): Pathogenic (1 of 4 stars; one submission).

Conditions:
Neurofibromatosis, type 1 (NF1). Also called: VON RECKLINGHAUSEN DISEASE; NEUROFIBROMATOSIS, TYPE I, SOMATIC; Peripheral type neurofibromatosis; Neurofibromatosis, type I. Identifiers: Orphanet 636, MedGen C0027831, MONDO:0018975, OMIM 162200. Disease mechanism: loss of function.

Submission:

Labcorp Genetics (formerly Invitae), Labcorp
Classification: Pathogenic for Neurofibromatosis, type 1. Last evaluated: 2024-08-21. Review status: criteria provided, single submitter. Criteria: Invitae Variant Classification Sherloc (09022015). Collection method: clinical testing. Allele origin: germline.
Comment: This sequence change creates a premature translational stop signal (p.Leu303Hisfs*14) in the NF1 gene. It is expected to result in an absent or disrupted protein product. Loss-of-function variants in NF1 are known to be pathogenic (PMID: 10712197, 23913538). This variant is not present in population databases (gnomAD no frequency). This variant has not been reported in the literature in individuals affected with NF1-related conditions. ClinVar contains an entry for this variant (Variation ID: 457876). For these reasons, this variant has been classified as Pathogenic.

Literature cited by the submitters: PubMed 10712197; PubMed 23913538.